The following is an entry in ClinVar:

ClinVar aggregate classification (germline): Uncertain significance (1 of 4 stars; one submission).

gnomAD v4.1: 4 of 1,612,852 alleles (0.00025%); highest among the groups gnomAD compares: Non-Finnish European, 0.00034%; no homozygotes.

Submission:

Labcorp Genetics (formerly Invitae), Labcorp
Classification: Uncertain significance. Last evaluated: 2025-02-06. Review status: criteria provided, single submitter. Criteria: Invitae Variant Classification Sherloc (09022015). Collection method: clinical testing. Allele origin: germline.
Comment: This sequence change replaces alanine, which is neutral and non-polar, with valine, which is neutral and non-polar, at codon 447 of the ANXA11 protein (p.Ala447Val). This variant is not present in population databases (gnomAD no frequency). This variant has not been reported in the literature in individuals affected with ANXA11-related conditions. An algorithm developed to predict the effect of missense changes on protein structure and function (PolyPhen-2) suggests that this variant is likely to be tolerated. In summary, the available evidence is currently insufficient to determine the role of this variant in disease. Therefore, it has been classified as a Variant of Uncertain Significance.

NM_145868.2(ANXA11):c.1340C>T (p.Ala447Val)

Gene: ANXA11 (annexin A11; minus strand). Cytogenetic location: 10q22.3.
Variant type: single nucleotide variant.
Coding change: c.1340C>T on transcript NM_145868.2 (MANE Select); coding-DNA position 1340, C replaced by T.
Protein change: p.Ala447Val; replaces alanine 447 with valine.
Molecular consequence: missense variant.
Genome position (GRCh38, 1-based): chr10:80,157,759, G>A on the plus strand (C>T on the coding strand, the complement: ANXA11 is on the minus strand). VCF-style: chr10-80157759-G-A. GRCh37 (hg19) VCF-style: chr10-81917515-G-A.
Other names: c.1241C>T, p.Ala414Val (NM_001278409.2); c.1340C>T, p.Ala447Val (NM_145869.2, NM_001157.3, NM_001278407.2 and 1 more transcripts); short protein forms A447V, A414V.
Identifiers: ClinVar variation 4779328 (VCV004779328.1).
Genomic context (GRCh38, chr10:80,157,759, plus strand): 5'-AGGAGGTCGGTCTCGCTGCGAGACACCATGATGCGAATCAGGGTCCGGTCCTTTGTTCCT[G>A]CCCCCTAAAGAGAGTCCACCCAAGAGCATGAGCACCAGGCCTCCTCACCTTCCCACCTGC-3'
Protein context (NP_665875.1, residues 437-457): AERLNKAMRG[Ala447Val]GTKDRTLIRI